The following is an entry in ClinVar:

ClinVar aggregate classification (germline): Likely benign. Review status: criteria provided, multiple submitters, no conflicts (2 of 4 stars). 4 submissions from 4 submitters: Likely benign (3). 1 of the submissions does not count toward it. Last evaluated 2025-12-30.

Conditions:
Proteinuria, chronic benign. Identifiers: MedGen C5394384, MONDO:0030042, OMIM 618884.
Imerslund-Grasbeck syndrome type 1 (IGS1). Also called: MEGALOBLASTIC ANEMIA, 1; Imerslund-Gräsbeck syndrome 1; Megaloblastic anemia 1, Finnish type. Identifiers: MedGen C4016819, MONDO:0100156, OMIM 261100.
CUBN-related disorder. Also called: CUBN-related condition.
Imerslund-Grasbeck syndrome. Also called: ENTEROCYTE COBALAMIN MALABSORPTION; ENTEROCYTE INTRINSIC FACTOR RECEPTOR, DEFECT OF; PERNICIOUS ANEMIA, JUVENILE, DUE TO SELECTIVE INTESTINAL MALABSORPTION OF VITAMIN B12, WITH PROTEINURIA; Megaloblastic anemia due to inborn errors of metabolism; Imerslund-Gräsbeck syndrome. Identifiers: Orphanet 35858, MedGen C4551825, MONDO:0009853.

Allele frequency attached by ClinVar (database versions not stated): gnomAD exomes 0.00005 and 0.00015; ExAC 0.00020; gnomAD 0.00021 and 0.00023; TOPMed 0.00033; ESP Exome Variant Server 0.00038; 1000 Genomes Project 30x 0.00078; 1000 Genomes Project 0.00100.
gnomAD v4.1: 107 of 1,613,316 alleles (0.0066%); highest among the groups gnomAD compares: Admixed American, 0.06%; no homozygotes.

Submissions (4):

Labcorp Genetics (formerly Invitae), Labcorp
Classification: Likely benign for Imerslund-Grasbeck syndrome. Last evaluated: 2025-12-30. Review status: criteria provided, single submitter. Criteria: Invitae Variant Classification Sherloc (09022015). Collection method: clinical testing. Allele origin: germline.

Blueprint Genetics
Classification: Likely benign. Last evaluated: 2023-01-19. Review status: criteria provided, single submitter. Criteria: ACMG Guidelines, 2015. Collection method: clinical testing. Allele origin: germline.

Fulgent Genetics
Classification: Likely benign for Imerslund-Grasbeck syndrome type 1; Proteinuria, chronic benign. Last evaluated: 2021-07-21. Review status: criteria provided, single submitter. Criteria: ACMG Guidelines, 2015. Collection method: clinical testing. Allele origin: unknown.

PreventionGenetics, part of Exact Sciences
Classification: Likely benign for CUBN-related condition. Last evaluated: 2024-04-23. Review status: no assertion criteria provided. Collection method: clinical testing. Allele origin: germline. Not counted in ClinVar's aggregate classification.
Comment: This variant is classified as likely benign based on ACMG/AMP sequence variant interpretation guidelines (Richards et al. 2015 PMID: 25741868, with internal and published modifications).

NM_001081.4(CUBN):c.813C>T (p.Pro271=)

Gene: CUBN (cubilin; minus strand). Cytogenetic location: 10p13.
Variant type: single nucleotide variant.
Coding change: c.813C>T on transcript NM_001081.4 (MANE Select); coding-DNA position 813, C replaced by T.
Protein change: p.Pro271=; no amino-acid change (proline 271 retained).
Molecular consequence: synonymous variant.
Genome position (GRCh38, 1-based): chr10:17,114,097, G>A on the plus strand (C>T on the coding strand, the complement: CUBN is on the minus strand). VCF-style: chr10-17114097-G-A. GRCh37 (hg19) VCF-style: chr10-17156096-G-A.
Identifiers: ClinVar variation 698776 (VCV000698776.14), dbSNP rs139348777, ClinGen allele CA5425500.